The following is an entry in ClinVar:

NM_001098512.3(PRKG1):c.169C>T (p.Arg57Trp)

Gene: PRKG1 (protein kinase cGMP-dependent 1; plus strand). Cytogenetic location: 10q11.23.
Variant type: single nucleotide variant.
Coding change: c.169C>T on transcript NM_001098512.3; coding-DNA position 169, C replaced by T.
Protein change: p.Arg57Trp; replaces arginine 57 with tryptophan.
Molecular consequence: missense variant.
Genome position (GRCh38, 1-based): chr10:50,991,547, C>T. VCF-style: chr10-50991547-C-T. GRCh37 (hg19) VCF-style: chr10-52751307-C-T.
Other names: short protein forms R57W.
Identifiers: ClinVar variation 3895343 (VCV003895343.3).

ClinVar aggregate classification (germline): Uncertain significance. Review status: criteria provided, multiple submitters, no conflicts (2 of 4 stars). 3 submissions from 3 submitters: Uncertain significance (3). Last evaluated 2025-04-09.

Conditions:
Cardiovascular phenotype. Identifiers: MedGen CN230736.

Submissions (3):

Molecular Diagnostic Laboratory for Inherited Cardiovascular Disease, Montreal Heart Institute
Classification: Uncertain significance for Cardiovascular phenotype. Last evaluated: 2025-04-09. Review status: criteria provided, single submitter. Criteria: ACMG Guidelines, 2015. Collection method: clinical testing. Allele origin: germline. Affected: yes.
Comment: PM2

GeneDx
Classification: Uncertain significance. Last evaluated: 2025-03-04. Review status: criteria provided, single submitter. Criteria: GeneDx Variant Classification Process June 2021. Collection method: clinical testing. Allele origin: germline. Affected: yes.
Comment: Not observed at significant frequency in large population cohorts (gnomAD); In silico analysis supports that this missense variant has a deleterious effect on protein structure/function; Has not been previously published as pathogenic or benign to our knowledge; Reported using an alternate transcript of the gene

Blueprint Genetics
Classification: Uncertain significance. Last evaluated: 2021-07-28. Review status: criteria provided, single submitter. Criteria: ACMG Guidelines, 2015. Collection method: clinical testing. Allele origin: germline.